The following is an entry in ClinVar:

NM_003632.3(CNTNAP1):c.1520T>C (p.Met507Thr)

Gene: CNTNAP1 (contactin associated protein 1; plus strand). Cytogenetic location: 17q21.2.
Variant type: single nucleotide variant.
Coding change: c.1520T>C on transcript NM_003632.3 (MANE Select); coding-DNA position 1520, T replaced by C.
Protein change: p.Met507Thr; replaces methionine 507 with threonine.
Molecular consequence: missense variant.
Genome position (GRCh38, 1-based): chr17:42,688,939, T>C. VCF-style: chr17-42688939-T-C. GRCh37 (hg19) VCF-style: chr17-40840957-T-C.
Other names: short protein forms M507T.
Identifiers: ClinVar variation 1449570 (VCV001449570.8), dbSNP rs2143658630, ClinGen allele CA399639834.

ClinVar aggregate classification (germline): Uncertain significance (1 of 4 stars; one submission).

Submission:

Labcorp Genetics (formerly Invitae), Labcorp
Classification: Uncertain significance. Last evaluated: 2021-12-02. Review status: criteria provided, single submitter. Criteria: Invitae Variant Classification Sherloc (09022015). Collection method: clinical testing. Allele origin: germline.
Comment: In summary, the available evidence is currently insufficient to determine the role of this variant in disease. Therefore, it has been classified as a Variant of Uncertain Significance. Algorithms developed to predict the effect of missense changes on protein structure and function (SIFT, PolyPhen-2, Align-GVGD) all suggest that this variant is likely to be disruptive. This variant has not been reported in the literature in individuals affected with CNTNAP1-related conditions. This variant is not present in population databases (gnomAD no frequency). This sequence change replaces methionine, which is neutral and non-polar, with threonine, which is neutral and polar, at codon 507 of the CNTNAP1 protein (p.Met507Thr).